The following is an entry in ClinVar:

NM_006206.6(PDGFRA):c.2110G>C (p.Glu704Gln)

Gene: PDGFRA (platelet derived growth factor receptor alpha; plus strand). Cytogenetic location: 4q12.
Variant type: single nucleotide variant.
Coding change: c.2110G>C on transcript NM_006206.6 (MANE Select); coding-DNA position 2110, G replaced by C.
Protein change: p.Glu704Gln; replaces glutamic acid 704 with glutamine.
Molecular consequence: missense variant.
Genome position (GRCh38, 1-based): chr4:54,278,469, G>C. VCF-style: chr4-54278469-G-C. GRCh37 (hg19) VCF-style: chr4-55144636-G-C.
Other names: c.2110G>C, p.Glu704Gln (NM_001347827.2, NM_001347829.2); c.2185G>C, p.Glu729Gln (NM_001347828.2); c.2149G>C, p.Glu717Gln (NM_001347830.2); short protein forms E729Q, E704Q, E717Q.
Identifiers: ClinVar variation 1355479 (VCV001355479.8), dbSNP rs2110316375, ClinGen allele CA356894073.

ClinVar aggregate classification (germline): Uncertain significance (1 of 4 stars; one submission).

Conditions:
Gastrointestinal stromal tumor. Also called: Gastrointestinal stroma tumor; Gastrointestinal stromal tumor, somatic. Identifiers: Orphanet 44890, MedGen C0238198, MeSH D046152, MONDO:0011719, OMIM 606764, HP:0100723.

Submission:

Labcorp Genetics (formerly Invitae), Labcorp
Classification: Uncertain significance for Gastrointestinal stromal tumor. Last evaluated: 2020-12-10. Review status: criteria provided, single submitter. Criteria: Invitae Variant Classification Sherloc (09022015). Collection method: clinical testing. Allele origin: germline.
Comment: In summary, the available evidence is currently insufficient to determine the role of this variant in disease. Therefore, it has been classified as a Variant of Uncertain Significance. This sequence change replaces glutamic acid with glutamine at codon 704 of the PDGFRA protein (p.Glu704Gln). The glutamic acid residue is moderately conserved and there is a small physicochemical difference between glutamic acid and glutamine. This variant is not present in population databases (ExAC no frequency). This variant has not been reported in the literature in individuals with PDGFRA-related conditions. Algorithms developed to predict the effect of missense changes on protein structure and function are either unavailable or do not agree on the potential impact of this missense change (SIFT: "Deleterious"; PolyPhen-2: "Benign"; Align-GVGD: "Class C0").